The following is an entry in ClinVar:

ClinVar aggregate classification (germline): Uncertain significance. Review status: criteria provided, multiple submitters, no conflicts (2 of 4 stars). 2 submissions from 2 submitters: Uncertain significance (2). Last evaluated 2025-08-28.

Conditions:
Inborn genetic diseases. Identifiers: MedGen C0950123, MeSH D030342.
Insulin-dependent diabetes mellitus secretory diarrhea syndrome (IPEX). Also called: Immune dysregulation-polyendocrinopathy-enteropathy-X-linked syndrome; Immunodeficiency, Polyendocrinopathy, and Enteropathy X-Linked Syndrome; X-Linked Syndrome of Polyendocrinopathy, Immune Dysfunction, and Diarrhea; IMMUNODEFICIENCY, POLYENDOCRINOPATHY, AND ENTEROPATHY, X-LINKED; Immunodysregulation, polyendocrinopathy, and enteropathy, X-linked; IPEX and IPEX-Like. Identifiers: Orphanet 37042, MedGen C0342288, MONDO:0010580, OMIM 304790. Disease mechanism: loss of function.

gnomAD v4.1: 2 of 1,187,933 alleles (0.00017%); highest among the groups gnomAD compares: African/African-American, 0.0035%; no homozygotes.

Submissions (2):

Ambry Genetics
Classification: Uncertain significance for Inborn genetic diseases. Last evaluated: 2025-08-28. Review status: criteria provided, single submitter. Criteria: Ambry Variant Classification Scheme 2023. Collection method: clinical testing. Allele origin: germline.

Labcorp Genetics (formerly Invitae), Labcorp
Classification: Uncertain significance for Insulin-dependent diabetes mellitus secretory diarrhea syndrome. Last evaluated: 2024-03-27. Review status: criteria provided, single submitter. Criteria: Invitae Variant Classification Sherloc (09022015). Collection method: clinical testing. Allele origin: germline.
Comment: This sequence change replaces alanine, which is neutral and non-polar, with threonine, which is neutral and polar, at codon 15 of the FOXP3 protein (p.Ala15Thr). The frequency data for this variant in the population databases is considered unreliable, as metrics indicate poor data quality at this position in the gnomAD database. This variant has not been reported in the literature in individuals affected with FOXP3-related conditions. Advanced modeling of protein sequence and biophysical properties (such as structural, functional, and spatial information, amino acid conservation, physicochemical variation, residue mobility, and thermodynamic stability) performed at Invitae indicates that this missense variant is not expected to disrupt FOXP3 protein function with a negative predictive value of 95%. In summary, the available evidence is currently insufficient to determine the role of this variant in disease. Therefore, it has been classified as a Variant of Uncertain Significance.

NM_014009.4(FOXP3):c.43G>A (p.Ala15Thr)

Gene: FOXP3 (forkhead box P3; minus strand). Cytogenetic location: Xp11.23.
Variant type: single nucleotide variant.
Coding change: c.43G>A on transcript NM_014009.4 (MANE Select); coding-DNA position 43, G replaced by A.
Protein change: p.Ala15Thr; replaces alanine 15 with threonine.
Molecular consequence: missense variant.
Genome position (GRCh38, 1-based): chrX:49,258,463, C>T on the plus strand (G>A on the coding strand, the complement: FOXP3 is on the minus strand). VCF-style: chrX-49258463-C-T. GRCh37 (hg19) VCF-style: chrX-49114920-C-T.
Other names: c.43G>A, p.Ala15Thr (NM_001114377.2); short protein forms A15T.
Identifiers: ClinVar variation 3604443 (VCV003604443.3).
Genomic context (GRCh38, chrX:49,258,463, plus strand): 5'-GGTCTGAGGCTTTGGGTGCAGCCCTCCAGCTGGGCGAGGCTCCTGGGGATGGGCCAAGGG[C>T]CAAGGAAGGGGCCGAGGGCTTGCCAGGCCTGGGGTTGGGCATCGGGTCCTTGTCCAAGGG-3'
Protein context (NP_054728.2, residues 5-25): RPGKPSAPSL[Ala15Thr]LGPSPGASPS